The following is an entry in ClinVar:

ClinVar aggregate classification (germline): Uncertain significance (1 of 4 stars; one submission).

Conditions:
Kabuki syndrome 1 (KABUK1). Also called: KMT2D-Related Kabuki Syndrome. Identifiers: Orphanet 2322, MedGen CN030661, MONDO:0007843, OMIM 147920.

Submission:

Laboratorio de Genetica e Diagnostico Molecular, Hospital Israelita Albert Einstein
Classification: Uncertain significance for Kabuki syndrome 1. Last evaluated: 2021-11-16. Review status: criteria provided, single submitter. Criteria: ACMG Guidelines, 2015. Collection method: clinical testing. Allele origin: germline. Affected: yes.
Comment: ACMG classification criteria: PM2 moderate, PM4 moderate

NM_003482.4(KMT2D):c.11170_11190del (p.Gln3724_Leu3730del)

Gene: KMT2D (lysine methyltransferase 2D; minus strand). Cytogenetic location: 12q13.12.
Variant type: Deletion.
Coding change: c.11170_11190del on transcript NM_003482.4 (MANE Select); coding-DNA positions 11170 to 11190, 21 bases deleted (CAGCAGCAACGTATGCAGCTG).
Protein change: p.Gln3724_Leu3730del.
Molecular consequence: inframe deletion.
Genome position (GRCh38, 1-based): chr12:49,033,515-49,033,535, CAGCTGCATACGTTGCTGCTG deleted on the plus strand (CAGCAGCAACGTATGCAGCTG on the coding strand, the reverse complement: KMT2D is on the minus strand); deleting any 21 consecutive bases within chr12:49,033,515-49,033,543 gives the same sequence; the c. name uses the placement nearest the transcript's 3' end. VCF-style (leftmost placement, unchanged base first): chr12-49033514-CCAGCTGCATACGTTGCTGCTG-C. GRCh37 (hg19) VCF-style: chr12-49427297-CCAGCTGCATACGTTGCTGCTG-C.
Identifiers: ClinVar variation 1683607 (VCV001683607.2), dbSNP rs2120443533, ClinGen allele CA2573148667.